The following is an entry in ClinVar:

ClinVar aggregate classification (germline): Uncertain significance (1 of 4 stars; one submission).

Conditions:
Ectodermal dysplasia and immunodeficiency 2. Identifiers: Orphanet 238468, Orphanet 98813, MedGen C2677481, MONDO:0012806, OMIM 612132.

gnomAD v4.1: 1 of 1,613,696 alleles (0.000062%); highest among the groups gnomAD compares: Non-Finnish European, 0.000085%; no homozygotes.

Submission:

Labcorp Genetics (formerly Invitae), Labcorp
Classification: Uncertain significance for Ectodermal dysplasia and immunodeficiency 2. Last evaluated: 2025-03-22. Review status: criteria provided, single submitter. Criteria: Invitae Variant Classification Sherloc (09022015). Collection method: clinical testing. Allele origin: germline.
Comment: This sequence change replaces phenylalanine, which is neutral and non-polar, with leucine, which is neutral and non-polar, at codon 106 of the NFKBIA protein (p.Phe106Leu). This variant is not present in population databases (gnomAD no frequency). This variant has not been reported in the literature in individuals affected with NFKBIA-related conditions. An algorithm developed to predict the effect of missense changes on protein structure and function (PolyPhen-2) suggests that this variant is likely to be tolerated. In summary, the available evidence is currently insufficient to determine the role of this variant in disease. Therefore, it has been classified as a Variant of Uncertain Significance.

NM_020529.3(NFKBIA):c.318C>A (p.Phe106Leu)

Gene: NFKBIA (NFKB inhibitor alpha; minus strand). Cytogenetic location: 14q13.2.
Variant type: single nucleotide variant.
Coding change: c.318C>A on transcript NM_020529.3 (MANE Select); coding-DNA position 318, C replaced by A.
Protein change: p.Phe106Leu; replaces phenylalanine 106 with leucine.
Molecular consequence: missense variant.
Genome position (GRCh38, 1-based): chr14:35,403,708, G>T on the plus strand (C>A on the coding strand, the complement: NFKBIA is on the minus strand). VCF-style: chr14-35403708-G-T. GRCh37 (hg19) VCF-style: chr14-35872914-G-T.
Other names: short protein forms F106L.
Identifiers: ClinVar variation 4772063 (VCV004772063.1).